The following is an entry in ClinVar:

NM_000059.4(BRCA2):c.4599A>C (p.Lys1533Asn)

Gene: BRCA2 (BRCA2 DNA repair associated; plus strand). Cytogenetic location: 13q13.1.
Variant type: single nucleotide variant.
Coding change: c.4599A>C on transcript NM_000059.4 (MANE Select); coding-DNA position 4599, A replaced by C.
Protein change: p.Lys1533Asn; replaces lysine 1533 with asparagine.
Molecular consequence: missense variant.
Genome position (GRCh38, 1-based): chr13:32,338,954, A>C. VCF-style: chr13-32338954-A-C. GRCh37 (hg19) VCF-style: chr13-32913091-A-C.
Other names: p.K1533N:AAA>AAC; 4827A>C; short protein forms K1533N.
Identifiers: ClinVar variation 51682 (VCV000051682.35), dbSNP rs80358694, ClinGen allele CA020526.

ClinVar aggregate classification (germline): Conflicting classifications of pathogenicity. Review status: criteria provided, conflicting classifications (1 of 4 stars). 20 submissions from 19 submitters: Uncertain significance (3); Benign (4); Likely benign (9). 4 of the submissions do not count toward it. Last evaluated 2026-04-07.

Conditions:
Hereditary cancer-predisposing syndrome. Also called: Hereditary Cancer Syndrome; Neoplastic Syndromes, Hereditary; Hereditary neoplastic syndrome; Tumor predisposition. Identifiers: Orphanet 140162, MedGen C0027672, MeSH D009386, MONDO:0015356.
Breast neoplasm. Also called: Neoplasm of breast; Breast tumor; Breast Neoplasms; Neoplasm of the breast. Identifiers: MedGen C1458155, MeSH D001943, MONDO:0021100, HP:0100013. Disease mechanism: gain of function.
Breast and/or ovarian cancer. Identifiers: MedGen CN221562.
BRCA2-related disorder. Also called: BRCA2-related condition; BRCA2-related disorders. Identifiers: MedGen CN239275.
Hereditary breast ovarian cancer syndrome. Also called: Hereditary breast and ovarian cancer syndrome; Breast and ovarian cancer; BRCA1- and BRCA2-Associated Hereditary Breast and Ovarian Cancer; Hereditary breast and/or ovarian cancer syndrome; Hereditary breast and ovarian cancer; Hereditary breast and ovarian cancer syndrome (HBOC). Identifiers: Orphanet 145, MedGen C0677776, MeSH D061325, MONDO:0003582. Disease mechanism: loss of function.
Fanconi anemia complementation group D1. Also called: BRCA2-Related Fanconi Anemia. Identifiers: Orphanet 319462, MedGen C1838457, MONDO:0011584, OMIM 605724.
Breast-ovarian cancer, familial, susceptibility to, 2 (BROVCA2). Also called: BRCA2 Hereditary Breast and Ovarian Cancer. Identifiers: Orphanet 145, MedGen C2675520, MONDO:0012933, OMIM 612555. Disease mechanism: loss of function.
Malignant tumor of breast. Also called: Malignant breast neoplasm; Cancer breast. Identifiers: MedGen C0006142, MONDO:0007254. Disease mechanism: loss of function.

Allele frequency attached by ClinVar (database versions not stated): gnomAD 0.00001; gnomAD exomes 0.00002 and 0.00009; TOPMed 0.00005; ExAC 0.00007.
gnomAD v4.1: 31 of 1,613,738 alleles (0.0019%); highest among the groups gnomAD compares: East Asian, 0.069%; no homozygotes.

Submissions (20):

PreventionGenetics, part of Exact Sciences
Classification: Likely benign for BRCA2-related condition. Last evaluated: 2026-04-07. Review status: criteria provided, single submitter. Criteria: ACMG Guidelines, 2015. Collection method: clinical testing. Allele origin: germline.
Comment: This variant is classified as likely benign based on ACMG/AMP sequence variant interpretation guidelines (Richards et al. 2015 PMID: 25741868, with internal and published modifications).

Labcorp Genetics (formerly Invitae), Labcorp
Classification: Benign for Hereditary breast ovarian cancer syndrome. Last evaluated: 2026-01-21. Review status: criteria provided, single submitter. Criteria: Invitae Variant Classification Sherloc (09022015). Collection method: clinical testing. Allele origin: germline.

Quest Diagnostics Nichols Institute San Juan Capistrano
Classification: Likely benign. Last evaluated: 2025-10-30. Review status: criteria provided, single submitter. Criteria: Quest Diagnostics criteria. Collection method: clinical testing. Allele origin: unknown.

All of Us Research Program, National Institutes of Health
Classification: Benign for Breast-ovarian cancer, familial, susceptibility to, 2. Last evaluated: 2024-01-03. Review status: criteria provided, single submitter. Criteria: ACMG Guidelines, 2015. Collection method: clinical testing. Allele origin: germline. Inheritance: Autosomal dominant inheritance. Observed: 7 variant alleles, 7 heterozygotes.
Comment: This study involves interpretation of variants in research participants for the purpose of population health screening. Participant phenotype was not available at the time of variant classification. Additional details can be found in publication PMID: 35346344, PMCID: PMC8962531

University of Washington Department of Laboratory Medicine, University of Washington
Classification: Likely benign for Hereditary cancer-predisposing syndrome. Last evaluated: 2023-03-23. Review status: criteria provided, single submitter. Criteria: Dines et al. (Genet Med. 2020). Collection method: curation. Allele origin: germline.
Comment: Missense variant in a coldspot region where missense variants are very unlikely to be pathogenic (PMID:31911673).

BRCA2 exon 11 coldspot. Reclassification based on statistical prior probability.

Blueprint Genetics
Classification: Likely benign. Last evaluated: 2022-09-23. Review status: criteria provided, single submitter. Criteria: ACMG Guidelines, 2015. Collection method: clinical testing. Allele origin: germline.

ARUP Laboratories, Molecular Genetics and Genomics, ARUP Laboratories
Classification: Likely benign. Last evaluated: 2022-01-26. Review status: criteria provided, single submitter. Criteria: ARUP Molecular Germline Variant Investigation Process 2021. Collection method: clinical testing. Allele origin: germline.

Women's Health and Genetics/Laboratory Corporation of America, LabCorp
Classification: Benign. Last evaluated: 2021-09-27. Review status: criteria provided, single submitter. Criteria: LabCorp Variant Classification Summary - May 2015. Collection method: clinical testing. Allele origin: germline.
Comment: Variant summary: BRCA2 c.4599A>C (p.Lys1533Asn) results in a non-conservative amino acid change in the encoded protein sequence. Four of five in-silico tools predict a benign effect of the variant on protein function. The variant allele was found at a frequency of 9.2e-05 in 250444 control chromosomes, predominantly at a frequency of 0.0013 within the East Asian subpopulation in the gnomAD database. The observed variant frequency within East Asian control individuals in the gnomAD database is approximately 2 fold of the estimated maximal expected allele frequency for a pathogenic variant in BRCA2 causing Hereditary Breast And Ovarian Cancer Syndrome phenotype (0.00075), strongly suggesting that the variant is a benign polymorphism found primarily in populations of East Asian origin. c.4599A>C has been reported in the literature in individuals affected with Hereditary Breast And Ovarian Cancer Syndrome. These reports do not provide unequivocal conclusions about association of the variant with Hereditary Breast And Ovarian Cancer Syndrome. Co-occurrences with other pathogenic variants have been reported (BRCA2 c.1547_1547delT, p.Phe516Serfs, BIC database; BRCA2 1775delT, Choi_2006; BRCA2 c.9382C>T, p.Arg3128X, internal database), providing supporting evidence for a benign role. Seven clinical diagnostic laboratories have submitted clinical-significance assessments for this variant to ClinVar after 2014 without evidence for independent evaluation. Multiple laboratories reported the variant with conflicting assessments (Benign/likely benign n=5, VUS n=2). Based on the evidence outlined above, the variant was classified as benign.

CHEO Genetics Diagnostic Laboratory, Children's Hospital of Eastern Ontario
Classification: Likely benign for Breast and/or ovarian cancer. Last evaluated: 2021-09-14. Review status: criteria provided, single submitter. Criteria: ACMG Guidelines, 2015. Collection method: clinical testing. Allele origin: germline.

Sema4
Classification: Likely benign for Hereditary cancer-predisposing syndrome. Last evaluated: 2021-02-17. Review status: criteria provided, single submitter. Criteria: Sema4 Curation Guidelines. Collection method: curation. Allele origin: germline.

Ambry Genetics
Classification: Likely benign for Hereditary cancer-predisposing syndrome. Last evaluated: 2018-08-21. Review status: criteria provided, single submitter. Criteria: Ambry Variant Classification Scheme 2023. Collection method: clinical testing. Allele origin: germline.

GeneDx
Classification: Likely benign. Last evaluated: 2018-02-08. Review status: criteria provided, single submitter. Criteria: GeneDx Variant Classification (06012015). Collection method: clinical testing. Allele origin: germline. Affected: yes.
Comment: This variant is considered likely benign or benign based on one or more of the following criteria: it is a conservative change, it occurs at a poorly conserved position in the protein, it is predicted to be benign by multiple in silico algorithms, and/or has population frequency not consistent with disease.

Illumina Laboratory Services, Illumina
Classification: Uncertain significance for Fanconi anemia complementation group D1. Last evaluated: 2017-04-27. Review status: criteria provided, single submitter. Criteria: ICSL Variant Classification Criteria 13 December 2019. Collection method: clinical testing. Allele origin: germline.

Illumina Laboratory Services, Illumina
Classification: Uncertain significance for Breast-ovarian cancer, familial, susceptibility to, 2. Last evaluated: 2017-04-27. Review status: criteria provided, single submitter. Criteria: ICSL Variant Classification Criteria 13 December 2019. Collection method: clinical testing. Allele origin: germline.

Color Diagnostics, LLC DBA Color Health
Classification: Benign for Hereditary cancer-predisposing syndrome. Last evaluated: 2016-11-04. Review status: criteria provided, single submitter. Criteria: ACMG Guidelines, 2015. Collection method: clinical testing. Allele origin: germline.

Clinical and Functional Genomics Group, A.C.Camargo Cancer Center
Classification: Uncertain significance for Breast Cancer. Review status: criteria provided, single submitter. Criteria: Silva et al. (BMC Med Genet. 2014). Collection method: research. Allele origin: germline. Affected: yes.

Counsyl
Classification: Uncertain significance for Breast-ovarian cancer, familial, susceptibility to, 2. Last evaluated: 2016-01-06. Review status: no assertion criteria provided. Collection method: clinical testing. Allele origin: unknown. Not counted in ClinVar's aggregate classification.

Sharing Clinical Reports Project (SCRP)
Classification: Likely benign for Breast-ovarian cancer, familial 2. Last evaluated: 2012-04-20. Review status: no assertion criteria provided. Collection method: clinical testing. Allele origin: germline. Not counted in ClinVar's aggregate classification.

Breast Cancer Information Core (BIC) (BRCA2)
Classification: Uncertain significance for Breast-ovarian cancer, familial 2. Last evaluated: 2002-06-20. Review status: no assertion criteria provided. Collection method: clinical testing. Allele origin: germline. Affected: yes. Observed: 1 variant allele. Not counted in ClinVar's aggregate classification.

Department of Pathology and Laboratory Medicine, Sinai Health System
Classification: Uncertain significance for Malignant tumor of breast. Review status: no assertion criteria provided. Collection method: clinical testing. Allele origin: unknown. Affected: yes. Study: The Canadian Open Genetics Repository (COGR). Not counted in ClinVar's aggregate classification.
Comment: The BRCA2 p.Lys1533Asn variant was identified in 4 of 2316 proband chromosomes (frequency: 0.002) from individuals or families with breast cancer and was present in 1 of 638 control chromosomes (frequency: 0.02) from healthy individuals (Haffty 2009, Ho Choi 2004, Silva 2014, Suter 2004). The variant was also identified in dbSNP (ID: rs80358694) as â€šÃ„ÃºWith other alleleâ€šÃ„Ã¹, in ClinVar (classified as likely benign by Ambry Genetics, GeneDx, Invitae, COGR, SCRP; as uncertain significance by Counsyl, BIC and two clinical laboratories), Clinvitae, GeneInsight-COGR, Cosmic, and BIC Database (unknown clinical importance). The variant was not identified in LOVD 3.0, UMD-LSDB, ARUP Laboratories, or Zhejiang University database. The variant was identified in control databases in 24 of 276676 chromosomes at a frequency of 0.0001 (Genome Aggregation Database Feb 27, 2017). The variant was specifically observed in the East Asian population in 24 of 18864 chromosomes (freq: 0.001), while the variant was not observed in the African, Other, Latino, European, Ashkenazi Jewish, Finnish, and South Asian populations. The p.Lys1533 residue is not conserved in mammals and computational analyses (PolyPhen-2, SIFT, AlignGVGD, BLOSUM, MutationTaster) do not suggest a high likelihood of impact to the protein; however, this information is not predictive enough to rule out pathogenicity. The variant occurs outside of the splicing consensus sequence and in silico or computational prediction software programs (SpliceSiteFinder, MaxEntScan, NNSPLICE, GeneSplicer, HumanSpliceFinder) do not predict a difference in splicing. In summary, based on the above information the clinical significance of this variant cannot be determined with certainty at this time. This variant is classified as a variant of uncertain significance.

Literature cited by the submitters: PubMed 29346284 (cited by Quest Diagnostics Nichols Institute San Juan Capistrano); PubMed 19491284 (cited by Quest Diagnostics Nichols Institute San Juan Capistrano); PubMed 15117986 (cited by 3 submitters); PubMed 24884479 (cited by Quest Diagnostics Nichols Institute San Juan Capistrano and Counsyl); PubMed 14973102 (cited by Quest Diagnostics Nichols Institute San Juan Capistrano and Counsyl); PubMed 24817641 (cited by Quest Diagnostics Nichols Institute San Juan Capistrano and Counsyl); PubMed 30287823 (cited by Quest Diagnostics Nichols Institute San Juan Capistrano); PubMed 27907908 (cited by Quest Diagnostics Nichols Institute San Juan Capistrano); PubMed 31825140 (cited by Quest Diagnostics Nichols Institute San Juan Capistrano); PubMed 33471991 (cited by Quest Diagnostics Nichols Institute San Juan Capistrano); PubMed 33875706 (cited by Quest Diagnostics Nichols Institute San Juan Capistrano); PubMed 31851867 (cited by Quest Diagnostics Nichols Institute San Juan Capistrano); PubMed 32467295 (cited by Quest Diagnostics Nichols Institute San Juan Capistrano); PubMed 23469205 (cited by Clinical and Functional Genomics Group, A.C.Camargo Cancer Center).